The following is an entry in ClinVar:

ClinVar aggregate classification (germline): Pathogenic/Likely pathogenic. Review status: criteria provided, multiple submitters, no conflicts (2 of 4 stars). 5 submissions from 5 submitters: Pathogenic (3); Likely pathogenic (2). Last evaluated 2025-07-10.

Conditions:
Neuromuscular disease caused by qualitative or quantitative defects of dystrophin. Also called: Qualitative or quantitative defects of dystrophin. Identifiers: Orphanet 207085, MedGen C5679787, MONDO:0016147.
Duchenne muscular dystrophy (DMD). Also called: MUSCULAR DYSTROPHY, PSEUDOHYPERTROPHIC PROGRESSIVE, DUCHENNE TYPE; Duchenne Muscular Dystrophy (DMD). Identifiers: Orphanet 98896, MedGen C0013264, MONDO:0010679, OMIM 310200.
Becker muscular dystrophy (BMD). Also called: MUSCULAR DYSTROPHY, PSEUDOHYPERTROPHIC PROGRESSIVE, BECKER TYPE; Becker Muscular Dystrophy (BMD). Identifiers: Orphanet 98895, MedGen C0917713, MONDO:0010311, OMIM 300376.
Becker muscular dystrophy, Cardiomyopathy, Duchenne muscular dystrophy, Dystrophin deficiency.

Allele frequency attached by ClinVar (database versions not stated): gnomAD exomes below 0.00001; gnomAD 0.00001.
gnomAD v4.1: 3 of 1,209,268 alleles (0.00025%); highest among the groups gnomAD compares: African/African-American, 0.0053%; no homozygotes.

Submissions (5):

GeneDx
Classification: Pathogenic. Last evaluated: 2025-07-10. Review status: criteria provided, single submitter. Criteria: GeneDx Variant Classification Process June 2021. Collection method: clinical testing. Allele origin: germline.
Comment: Canonical splice site variant predicted to result in a null allele in a gene for which loss-of-function is a known mechanism of disease; Not observed at significant frequency in large population cohorts (gnomAD); Has not been previously published as pathogenic or benign to our knowledge; This variant is associated with the following publications: (PMID: 25007885, 16199547, 16770791)

Natera, Inc.
Classification: Pathogenic for Becker muscular dystrophy, Cardiomyopathy, Duchenne muscular dystrophy, Dystrophin deficiency. Last evaluated: 2024-12-01. Review status: criteria provided, single submitter. Criteria: Natera Variant Classification Schema (03/2026). Collection method: clinical testing. Allele origin: germline.
Comment: The c.2949+2T>C variant in DMD is a canonical splice donor site variant predicted to affect pre-mRNA splicing, which may result in an abnormal transcript and altered protein product. This variant is expected to result in nonsense mediated decay, truncation, or a dysfunctional protein product. This variant is rare in the general population with a frequency below the threshold expected for the associated phenotype(s). Another variant at this same site results in an alteration predicted to cause a similar molecular effect has been observed in individual(s) with the associated phenotype. Given the available evidence, this variant is classified as Pathogenic.

Baylor Genetics
Classification: Likely pathogenic for Becker muscular dystrophy. Last evaluated: 2023-05-29. Review status: criteria provided, single submitter. Criteria: ACMG Guidelines, 2015. Collection method: clinical testing. Allele origin: unknown.

Labcorp Genetics (formerly Invitae), Labcorp
Classification: Pathogenic for Duchenne muscular dystrophy. Last evaluated: 2023-03-18. Review status: criteria provided, single submitter. Criteria: Invitae Variant Classification Sherloc (09022015). Collection method: clinical testing. Allele origin: germline.
Comment: For these reasons, this variant has been classified as Pathogenic. Studies have shown that disruption of this splice site results in skipping of exon 22 and introduces a premature termination codon (PMID: 11241855). The resulting mRNA is expected to undergo nonsense-mediated decay. ClinVar contains an entry for this variant (Variation ID: 953819). Disruption of this splice site has been observed in individual(s) with Duchenne muscular dystrophy (PMID: 11241855, 19760747, 27593222). This variant is not present in population databases (gnomAD no frequency). This sequence change affects a donor splice site in intron 22 of the DMD gene. RNA analysis indicates that disruption of this splice site induces altered splicing and may result in an absent or disrupted protein product.

Women's Health and Genetics/Laboratory Corporation of America, LabCorp
Classification: Likely pathogenic for Neuromuscular disease caused by qualitative or quantitative defects of dystrophin. Last evaluated: 2022-03-11. Review status: criteria provided, single submitter. Criteria: LabCorp Variant Classification Summary - May 2015. Collection method: clinical testing. Allele origin: germline.
Comment: Variant summary: DMD c.2949+2T>C is located in a canonical splice-site and is predicted to affect mRNA splicing resulting in a significantly altered protein due to either exon skipping, shortening, or inclusion of intronic material. One computational tool predicts the variant abolishes a 5' splicing donor site and three predict the variant has no significant impact on splicing. However, these predictions have yet to be confirmed by functional studies. The variant was absent in 183060 control chromosomes (gnomAD). To our knowledge, no occurrence of c.2949+2T>C in individuals affected with Dystrophinopathies and no experimental evidence demonstrating its impact on protein function have been reported. Two ClinVar submitters have assessed the variant since 2014: both have classified the variant as likely pathogenic. Based on the evidence outlined above, the variant was classified as likely pathogenic.

Literature cited by the submitters: PubMed 11241855 (cited by Labcorp Genetics (formerly Invitae), Labcorp); PubMed 19760747 (cited by Labcorp Genetics (formerly Invitae), Labcorp); PubMed 27593222 (cited by Labcorp Genetics (formerly Invitae), Labcorp).

NM_004006.3(DMD):c.2949+2T>C

Gene: DMD (dystrophin; minus strand). Cytogenetic location: Xp21.1.
Variant type: single nucleotide variant.
Coding change: c.2949+2T>C on transcript NM_004006.3 (MANE Select); the canonical splice donor site of the intron after coding-DNA position 2949, T replaced by C.
Molecular consequence: splice donor variant.
Genome position (GRCh38, 1-based): chrX:32,472,162, A>G on the plus strand (T>C on the coding strand, the complement: DMD is on the minus strand). VCF-style: chrX-32472162-A-G. GRCh37 (hg19) VCF-style: chrX-32490279-A-G.
Other names: c.2925+2T>C (NM_000109.4); c.2937+2T>C (NM_004009.3); c.2580+2T>C (NM_004010.3).
Identifiers: ClinVar variation 953819 (VCV000953819.14), dbSNP rs2040709857, ClinGen allele CA412667682.